The following is an entry in ClinVar:

NM_017777.4(MKS1):c.1491-4G>A

Gene: MKS1 (MKS transition zone complex subunit 1; minus strand). Cytogenetic location: 17q22.
Variant type: single nucleotide variant.
Coding change: c.1491-4G>A on transcript NM_017777.4 (MANE Select); 4 bases into the intron before coding-DNA position 1491, G replaced by A.
Molecular consequence: intron variant.
Genome position (GRCh38, 1-based): chr17:58,206,384, C>T on the plus strand (G>A on the coding strand, the complement: MKS1 is on the minus strand). VCF-style: chr17-58206384-C-T. GRCh37 (hg19) VCF-style: chr17-56283745-C-T.
Other names: c.882-4G>A (NM_001321268.2); c.1274-4G>A (NM_001330397.2); c.1408-4G>A (NM_001321269.2).
Identifiers: ClinVar variation 501229 (VCV000501229.15), dbSNP rs1555596758, ClinGen allele CA501324231.

ClinVar aggregate classification (germline): Conflicting classifications of pathogenicity. Review status: criteria provided, conflicting classifications (1 of 4 stars). 3 submissions from 3 submitters: Uncertain significance (2); Likely benign (1). Last evaluated 2020-05-20.

Conditions:
Meckel-Gruber syndrome. Also called: DYSENCEPHALIA SPLANCHNOCYSTICA; GRUBER SYNDROME; Dysencephalia splachnocystica. Identifiers: Orphanet 564, MedGen C0265215, MONDO:0018921.
Joubert syndrome. Also called: CEREBELLOPARENCHYMAL DISORDER IV; JOUBERT-BOLTSHAUSER SYNDROME; Familial aplasia of the vermis. Identifiers: Orphanet 475, MedGen C5979921, MONDO:0018772.
Meckel syndrome, type 1 (MKS1). Also called: MECKEL-GRUBER SYNDROME, TYPE 1. Identifiers: Orphanet 564, MedGen C3714506, MONDO:0009571, OMIM 249000.

gnomAD v4.1: 3 of 1,614,120 alleles (0.00019%); highest among the groups gnomAD compares: Middle Eastern, 0.033%; no homozygotes.

Submissions (3):

Labcorp Genetics (formerly Invitae), Labcorp
Classification: Likely benign for Joubert syndrome; Meckel-Gruber syndrome. Last evaluated: 2020-05-20. Review status: criteria provided, single submitter. Criteria: Invitae Variant Classification Sherloc (09022015). Collection method: clinical testing. Allele origin: germline.

Baylor Genetics
Classification: Uncertain significance for Meckel syndrome, type 1. Last evaluated: 2019-12-26. Review status: criteria provided, single submitter. Criteria: ACMG Guidelines, 2015. Collection method: clinical testing. Allele origin: unknown. Affected: yes.
Comment: This variant was determined to be of uncertain significance according to ACMG Guidelines, 2015 [PMID:25741868].

Eurofins Ntd Llc (ga)
Classification: Uncertain significance. Last evaluated: 2017-04-18. Review status: criteria provided, single submitter. Criteria: EGL Classification Definitions 2015. Collection method: clinical testing. Allele origin: germline. Observed: 1 variant allele, 1 heterozygote.